The following is an entry in ClinVar:

NM_203447.4(DOCK8):c.1453T>G (p.Phe485Val)

Gene: DOCK8 (dedicator of cytokinesis 8; plus strand). Cytogenetic location: 9p24.3.
Variant type: single nucleotide variant.
Coding change: c.1453T>G on transcript NM_203447.4 (MANE Select); coding-DNA position 1453, T replaced by G.
Protein change: p.Phe485Val; replaces phenylalanine 485 with valine.
Molecular consequence: missense variant.
Genome position (GRCh38, 1-based): chr9:339,036, T>G. VCF-style: chr9-339036-T-G. GRCh37 (hg19) VCF-style: chr9-339036-T-G.
Other names: c.1249T>G, p.Phe417Val (NM_001193536.2, NM_001190458.2); short protein forms F417V, F485V.
Identifiers: ClinVar variation 4738346 (VCV004738346.1).

ClinVar aggregate classification (germline): Uncertain significance (1 of 4 stars; one submission).

Conditions:
Combined immunodeficiency due to DOCK8 deficiency (HIES2). Also called: HYPER-IgE SYNDROME 2, AUTOSOMAL RECESSIVE, WITH RECURRENT INFECTIONS; HIES autosomal recessive; Hyper-IgE recurrent infection syndrome, autosomal recessive; HYPER-IgE RECURRENT INFECTION SYNDROME 2, AUTOSOMAL RECESSIVE; DOCK8 Deficiency. Identifiers: Orphanet 217390, MedGen C4722305, MONDO:0009478, OMIM 243700.

Submission:

Labcorp Genetics (formerly Invitae), Labcorp
Classification: Uncertain significance for Combined immunodeficiency due to DOCK8 deficiency. Last evaluated: 2025-06-15. Review status: criteria provided, single submitter. Criteria: Invitae Variant Classification Sherloc (09022015). Collection method: clinical testing. Allele origin: germline.
Comment: This sequence change replaces phenylalanine, which is neutral and non-polar, with valine, which is neutral and non-polar, at codon 485 of the DOCK8 protein (p.Phe485Val). This variant is not present in population databases (gnomAD no frequency). This variant has not been reported in the literature in individuals affected with DOCK8-related conditions. Invitae Evidence Modeling of protein sequence and biophysical properties (such as structural, functional, and spatial information, amino acid conservation, physicochemical variation, residue mobility, and thermodynamic stability) indicates that this missense variant is not expected to disrupt DOCK8 protein function with a negative predictive value of 80%. In summary, the available evidence is currently insufficient to determine the role of this variant in disease. Therefore, it has been classified as a Variant of Uncertain Significance.